The following is an entry in ClinVar:

NM_000170.3(GLDC):c.447del (p.Asn150fs)

Gene: GLDC (glycine decarboxylase; minus strand). Cytogenetic location: 9p24.1.
Variant type: Deletion.
Coding change: c.447del on transcript NM_000170.3 (MANE Select); coding-DNA position 447, one base deleted (G; older notation c.447delG).
Protein change: p.Asn150fs; shifts the reading frame from asparagine 150.
Molecular consequence: frameshift variant.
Genome position (GRCh38, 1-based): chr9:6,620,207, C deleted on the plus strand (G on the coding strand, the reverse complement: GLDC is on the minus strand); the first of 2 consecutive C bases (chr9:6,620,207-6,620,208); deleting either gives the same sequence. VCF-style (leftmost placement, unchanged base first): chr9-6620206-TC-T. GRCh37 (hg19) VCF-style: chr9-6620206-TC-T.
Other names: short protein forms N150fs.
Identifiers: ClinVar variation 1724698 (VCV001724698.2), dbSNP rs2489124599, ClinGen allele CA2580080226.
Genomic context (GRCh38, chr9:6,620,206, plus strand): 5'-TCACAGTCATCCTGTTCCTGAACTGAGAAATACATTACCATCCTGAGTTCTCCAGTAAGT[TC>T]CGCAAAATCGTCTGTGGCACTGAGCAGTTATAATAGCCCATGCCAATATACGATCTCCAG-3'

ClinVar aggregate classification (germline): Likely pathogenic (1 of 4 stars; one submission).

Conditions:
Glycine encephalopathy. Also called: Non-ketotic hyperglycinemia; Nonketotic hyperglycinemia. Identifiers: Orphanet 407, MedGen C0751748, MONDO:0011612, HP:0008288.

Submission:

Myriad Genetics, Inc.
Classification: Likely pathogenic for Glycine encephalopathy 1. Last evaluated: 2022-02-25. Review status: criteria provided, single submitter. Criteria: Myriad Women's Health Autosomal Recessive and X-Linked Classification Criteria (2021). Collection method: clinical testing. Allele origin: unknown.
Comment: NM_000170.2(GLDC):c.447delG(N150Tfs*81) is expected to be pathogenic in the context of glycine encephalopathy, GLDC-related. This variant is predicted to lead to an abnormal or absent protein product due to the creation of a premature termination codon in GLDC, a gene where loss-of-function variants are known to be pathogenic. Please note: this variant was assessed in the context of healthy population screening.